The following is an entry in ClinVar:

NM_000218.3(KCNQ1):c.1781G>T (p.Arg594Leu)

Gene: KCNQ1 (potassium voltage-gated channel subfamily Q member 1; plus strand). Cytogenetic location: 11p15.5.
Variant type: single nucleotide variant.
Coding change: c.1781G>T on transcript NM_000218.3 (MANE Select); coding-DNA position 1781, G replaced by T.
Protein change: p.Arg594Leu; replaces arginine 594 with leucine.
Molecular consequence: missense variant.
Genome position (GRCh38, 1-based): chr11:2,778,024, G>T. VCF-style: chr11-2778024-G-T. GRCh37 (hg19) VCF-style: chr11-2799254-G-T.
Other names: c.1685G>T, p.Arg562Leu (NM_001406836.1); c.1511G>T, p.Arg504Leu (NM_001406837.1); c.1241G>T, p.Arg414Leu (NM_001406838.1); c.293G>T, p.Arg98Leu (NM_001406839.1); c.1400G>T, p.Arg467Leu (NM_181798.2); short protein forms R414L, R467L, R504L, R562L, R594L, R98L.
Identifiers: ClinVar variation 2502702 (VCV002502702.3), dbSNP rs199472815, ClinGen allele CA379139775.
Genomic context (GRCh38, chr11:2,778,024, plus strand): 5'-TATCCCCCATAGAAAAGAGCAAGGATCGCGGCAGCAACACGATCGGCGCCCGCCTGAACC[G>T]AGTAGAAGACAAGGTAGGCTCACGCGCCGGCCTGCGGTGGTTCTGGTTAGCGTCCTGGGG-3'
Protein context (NP_000209.2, residues 584-604): GSNTIGARLN[Arg594Leu]VEDKVTQLDQ

ClinVar aggregate classification (germline): Likely pathogenic. Review status: criteria provided, multiple submitters, no conflicts (2 of 4 stars). 2 submissions from 2 submitters: Likely pathogenic (2). Last evaluated 2024-02-26.

Conditions:
Long QT syndrome (LQTS). Identifiers: MedGen C0023976, MeSH D008133, MONDO:0002442. Disease mechanism: loss of function. Inheritance: Various modes of inheritance.

Submissions (2):

Labcorp Genetics (formerly Invitae), Labcorp
Classification: Likely pathogenic for Long QT syndrome. Last evaluated: 2024-02-26. Review status: criteria provided, single submitter. Criteria: Invitae Variant Classification Sherloc (09022015). Collection method: clinical testing. Allele origin: germline.
Comment: This sequence change replaces arginine, which is basic and polar, with leucine, which is neutral and non-polar, at codon 594 of the KCNQ1 protein (p.Arg594Leu). This variant is not present in population databases (gnomAD no frequency). This variant has not been reported in the literature in individuals affected with KCNQ1-related conditions. ClinVar contains an entry for this variant (Variation ID: 2502702). Advanced modeling of protein sequence and biophysical properties (such as structural, functional, and spatial information, amino acid conservation, physicochemical variation, residue mobility, and thermodynamic stability) performed at Invitae indicates that this missense variant is expected to disrupt KCNQ1 protein function with a positive predictive value of 95%. This variant disrupts the p.Arg594 amino acid residue in KCNQ1. Other variant(s) that disrupt this residue have been determined to be pathogenic (PMID: 10973849, 11530100, 12402336, 15840476, 16818214, 17905336, 19716085, 24218437). This suggests that this residue is clinically significant, and that variants that disrupt this residue are likely to be disease-causing. In summary, the currently available evidence indicates that the variant is pathogenic, but additional data are needed to prove that conclusively. Therefore, this variant has been classified as Likely Pathogenic.

GeneDx
Classification: Likely pathogenic. Last evaluated: 2022-11-17. Review status: criteria provided, single submitter. Criteria: GeneDx Variant Classification Process June 2021. Collection method: clinical testing. Allele origin: germline. Affected: yes.
Comment: Not observed at significant frequency in large population cohorts (gnomAD); In silico analysis supports that this missense variant has a deleterious effect on protein structure/function; Has not been previously published as pathogenic or benign to our knowledge

Literature cited by the submitters: PubMed 10973849 (cited by Labcorp Genetics (formerly Invitae), Labcorp); PubMed 11530100 (cited by Labcorp Genetics (formerly Invitae), Labcorp); PubMed 12402336 (cited by Labcorp Genetics (formerly Invitae), Labcorp); PubMed 15840476 (cited by Labcorp Genetics (formerly Invitae), Labcorp); PubMed 16818214 (cited by Labcorp Genetics (formerly Invitae), Labcorp); PubMed 17905336 (cited by Labcorp Genetics (formerly Invitae), Labcorp); PubMed 19716085 (cited by Labcorp Genetics (formerly Invitae), Labcorp); PubMed 24218437 (cited by Labcorp Genetics (formerly Invitae), Labcorp).